The following is an entry in ClinVar:

NM_000059.4(BRCA2):c.172G>C (p.Glu58Gln)

Gene: BRCA2 (BRCA2 DNA repair associated; plus strand). Cytogenetic location: 13q13.1.
Variant type: single nucleotide variant.
Coding change: c.172G>C on transcript NM_000059.4 (MANE Select); coding-DNA position 172, G replaced by C.
Protein change: p.Glu58Gln; replaces glutamic acid 58 with glutamine.
Molecular consequence: missense variant.
Genome position (GRCh38, 1-based): chr13:32,319,181, G>C. VCF-style: chr13-32319181-G-C. GRCh37 (hg19) VCF-style: chr13-32893318-G-C.
Other names: c.172G>C, p.Glu58Gln (NM_001406719.1, NM_001406720.1, NM_001406721.1); c.-198G>C (NM_001406722.1); short protein forms E58Q.
Identifiers: ClinVar variation 1778957 (VCV001778957.6), dbSNP rs397507603, ClinGen allele CA387754331.

ClinVar aggregate classification (germline): Uncertain significance. Review status: criteria provided, multiple submitters, no conflicts (2 of 4 stars). 2 submissions from 2 submitters: Uncertain significance (2). Last evaluated 2025-04-07.

Conditions:
Hereditary cancer-predisposing syndrome. Also called: Neoplastic Syndromes, Hereditary; Tumor predisposition; Hereditary Cancer Syndrome; Hereditary neoplastic syndrome. Identifiers: Orphanet 140162, MedGen C0027672, MeSH D009386, MONDO:0015356.
Hereditary breast ovarian cancer syndrome. Also called: Hereditary breast and ovarian cancer; Breast and ovarian cancer; Hereditary breast and/or ovarian cancer syndrome; Hereditary breast and ovarian cancer syndrome (HBOC); BRCA1- and BRCA2-Associated Hereditary Breast and Ovarian Cancer; Hereditary breast and ovarian cancer syndrome. Identifiers: Orphanet 145, MedGen C0677776, MeSH D061325, MONDO:0003582. Disease mechanism: loss of function.

Submissions (2):

Ambry Genetics
Classification: Uncertain significance for Hereditary cancer-predisposing syndrome. Last evaluated: 2025-04-07. Review status: criteria provided, single submitter. Criteria: Ambry Variant Classification Scheme 2023. Collection method: clinical testing. Allele origin: germline.
Comment: The p.E58Q variant (also known as c.172G>C), located in coding exon 2 of the BRCA2 gene, results from a G to C substitution at nucleotide position 172. The glutamic acid at codon 58 is replaced by glutamine, an amino acid with highly similar properties. This amino acid position is well conserved in available vertebrate species. In addition, this alteration is predicted to be tolerated by in silico analysis. Since supporting evidence is limited at this time, the clinical significance of this alteration remains unclear.

Labcorp Genetics (formerly Invitae), Labcorp
Classification: Uncertain significance for Hereditary breast ovarian cancer syndrome. Last evaluated: 2023-08-10. Review status: criteria provided, single submitter. Criteria: Invitae Variant Classification Sherloc (09022015). Collection method: clinical testing. Allele origin: germline.
Comment: In summary, the available evidence is currently insufficient to determine the role of this variant in disease. Therefore, it has been classified as a Variant of Uncertain Significance. Advanced modeling of protein sequence and biophysical properties (such as structural, functional, and spatial information, amino acid conservation, physicochemical variation, residue mobility, and thermodynamic stability) performed at Invitae indicates that this missense variant is not expected to disrupt BRCA2 protein function. ClinVar contains an entry for this variant (Variation ID: 1778957). This variant has not been reported in the literature in individuals affected with BRCA2-related conditions. This variant is not present in population databases (gnomAD no frequency). This sequence change replaces glutamic acid, which is acidic and polar, with glutamine, which is neutral and polar, at codon 58 of the BRCA2 protein (p.Glu58Gln).